The following is an entry in ClinVar:

ClinVar aggregate classification (germline): Likely benign. Review status: criteria provided, multiple submitters, no conflicts (2 of 4 stars). 3 submissions from 3 submitters: Likely benign (2). 1 of the submissions does not count toward it. Last evaluated 2024-01-18.

Conditions:
NSD1-related disorder. Also called: NSD1-related condition.

Allele frequency attached by ClinVar (database versions not stated): TOPMed below 0.00001; ExAC 0.00001; gnomAD 0.00001; gnomAD exomes 0.00001; ESP Exome Variant Server 0.00008.
gnomAD v4.1: 19 of 1,613,660 alleles (0.0012%); highest among the groups gnomAD compares: African/African-American, 0.0027%; no homozygotes.

Submissions (3):

Blueprint Genetics
Classification: Likely benign. Last evaluated: 2024-01-18. Review status: criteria provided, single submitter. Criteria: ACMG Guidelines, 2015. Collection method: clinical testing. Allele origin: germline.

Labcorp Genetics (formerly Invitae), Labcorp
Classification: Likely benign. Last evaluated: 2021-12-31. Review status: criteria provided, single submitter. Criteria: Invitae Variant Classification Sherloc (09022015). Collection method: clinical testing. Allele origin: germline.

PreventionGenetics, part of Exact Sciences
Classification: Likely benign for NSD1-related condition. Last evaluated: 2022-01-13. Review status: no assertion criteria provided. Collection method: clinical testing. Allele origin: germline. Not counted in ClinVar's aggregate classification.
Comment: This variant is classified as likely benign based on ACMG/AMP sequence variant interpretation guidelines (Richards et al. 2015 PMID: 25741868, with internal and published modifications).

NM_022455.5(NSD1):c.7410T>C (p.Ala2470=)

Gene: NSD1 (nuclear receptor binding SET domain protein 1; plus strand). Cytogenetic location: 5q35.3.
Variant type: single nucleotide variant.
Coding change: c.7410T>C on transcript NM_022455.5 (MANE Select); coding-DNA position 7410, T replaced by C.
Protein change: p.Ala2470=; no amino-acid change (alanine 2470 retained).
Molecular consequence: synonymous variant.
Genome position (GRCh38, 1-based): chr5:177,294,778, T>C. VCF-style: chr5-177294778-T-C. GRCh37 (hg19) VCF-style: chr5-176721779-T-C.
Other names: c.6537T>C, p.Ala2179= (NM_001365684.2, NM_001409308.1, NM_172349.5); c.7410T>C, p.Ala2470= (NM_001409301.1, NM_001409302.1, NM_001409303.1); c.6990T>C, p.Ala2330= (NM_001409304.1); c.6657T>C, p.Ala2219= (NM_001409305.1); c.6648T>C, p.Ala2216= (NM_001409306.1, NM_001409307.1); c.6288T>C, p.Ala2096= (NM_001409309.1).
Identifiers: ClinVar variation 2058186 (VCV002058186.7), dbSNP rs368743619, ClinGen allele CA3578137.